The following is an entry in ClinVar:

ClinVar aggregate classification (germline): Uncertain significance (1 of 4 stars; one submission).

Submission:

GeneDx
Classification: Uncertain significance. Last evaluated: 2025-02-16. Review status: criteria provided, single submitter. Criteria: GeneDx Variant Classification Process June 2021. Collection method: clinical testing. Allele origin: germline. Affected: yes.
Comment: Not observed at significant frequency in large population cohorts (gnomAD); In silico analysis indicates that this missense variant does not alter protein structure/function; Has not been previously published as pathogenic or benign to our knowledge

NM_021224.6(ZNF462):c.1294T>C (p.Phe432Leu)

Gene: ZNF462 (zinc finger protein 462; plus strand). Cytogenetic location: 9q31.2.
Variant type: single nucleotide variant.
Coding change: c.1294T>C on transcript NM_021224.6 (MANE Select); coding-DNA position 1294, T replaced by C.
Protein change: p.Phe432Leu; replaces phenylalanine 432 with leucine.
Molecular consequence: missense variant.
Genome position (GRCh38, 1-based): chr9:106,925,206, T>C. VCF-style: chr9-106925206-T-C. GRCh37 (hg19) VCF-style: chr9-109687487-T-C.
Other names: c.1294T>C, p.Phe432Leu (NM_001347997.2); short protein forms F432L.
Identifiers: ClinVar variation 4076666 (VCV004076666.1).